The following is an entry in ClinVar:

NM_001122681.2(SH3BP2):c.1085T>C (p.Ile362Thr)

Gene: SH3BP2 (SH3 domain binding protein 2; plus strand). Cytogenetic location: 4p16.3.
Variant type: single nucleotide variant.
Coding change: c.1085T>C on transcript NM_001122681.2 (MANE Select); coding-DNA position 1085, T replaced by C.
Protein change: p.Ile362Thr; replaces isoleucine 362 with threonine.
Molecular consequence: missense variant.
Genome position (GRCh38, 1-based): chr4:2,829,991, T>C. VCF-style: chr4-2829991-T-C. GRCh37 (hg19) VCF-style: chr4-2831718-T-C.
Other names: c.1169T>C, p.Ile390Thr (NM_001145855.2); c.1256T>C, p.Ile419Thr (NM_001145856.2); c.1085T>C, p.Ile362Thr (NM_003023.4); short protein forms I362T, I419T, I390T.
Identifiers: ClinVar variation 3681182 (VCV003681182.2).

ClinVar aggregate classification (germline): Uncertain significance (1 of 4 stars; one submission).

Conditions:
Fibrous dysplasia of jaw (CRBM). Also called: Cherubism. Identifiers: Orphanet 184, MedGen C0008029, MONDO:0007315, OMIM 118400.

Submission:

Labcorp Genetics (formerly Invitae), Labcorp
Classification: Uncertain significance for Fibrous dysplasia of jaw. Last evaluated: 2024-08-22. Review status: criteria provided, single submitter. Criteria: Invitae Variant Classification Sherloc (09022015). Collection method: clinical testing. Allele origin: germline.
Comment: This sequence change replaces isoleucine, which is neutral and non-polar, with threonine, which is neutral and polar, at codon 362 of the SH3BP2 protein (p.Ile362Thr). This variant is not present in population databases (gnomAD no frequency). This variant has not been reported in the literature in individuals affected with SH3BP2-related conditions. Invitae Evidence Modeling of protein sequence and biophysical properties (such as structural, functional, and spatial information, amino acid conservation, physicochemical variation, residue mobility, and thermodynamic stability) indicates that this missense variant is not expected to disrupt SH3BP2 protein function with a negative predictive value of 80%. In summary, the available evidence is currently insufficient to determine the role of this variant in disease. Therefore, it has been classified as a Variant of Uncertain Significance.